The following is an entry in ClinVar:

NM_014871.6(PAN2):c.3354G>A (p.Trp1118Ter)

Gene: PAN2 (poly(A) specific ribonuclease subunit PAN2; minus strand). Cytogenetic location: 12q13.3.
Variant type: single nucleotide variant.
Coding change: c.3354G>A on transcript NM_014871.6 (MANE Select); coding-DNA position 3354, G replaced by A.
Protein change: p.Trp1118Ter; replaces tryptophan 1118 with a stop codon.
Molecular consequence: nonsense.
Genome position (GRCh38, 1-based): chr12:56,319,098, C>T on the plus strand (G>A on the coding strand, the complement: PAN2 is on the minus strand). VCF-style: chr12-56319098-C-T. GRCh37 (hg19) VCF-style: chr12-56712882-C-T.
Other names: c.3351G>A, p.Trp1117Ter (NM_001394706.1, NM_001394707.1, NM_001394701.1 and 1 more transcripts); c.2937G>A, p.Trp979Ter (NM_001394708.1); c.3366G>A, p.Trp1122Ter (NM_001394699.1, NM_001394703.1, NM_001127460.4); c.3354G>A, p.Trp1118Ter (NM_001394700.1, NM_001394705.1); c.3363G>A, p.Trp1121Ter (NM_001394704.1, NM_001166279.3); short protein forms W1117*, W1118*, W1121*, W1122*, W979*.
Identifiers: ClinVar variation 4688405 (VCV004688405.1).

ClinVar aggregate classification (germline): Pathogenic (1 of 4 stars; one submission).

Conditions:
Developmental delay with variable cardiac and renal congenital anomalies and dysmorphic facies. Identifiers: MedGen C6065921, MONDO:0980727, OMIM 621384.

Submission:

Women's Health and Genetics/Laboratory Corporation of America, LabCorp
Classification: Pathogenic for Developmental delay with variable cardiac and renal congenital anomalies and dysmorphic facies. Last evaluated: 2025-12-10. Review status: criteria provided, single submitter. Criteria: LabCorp Variant Classification Summary - May 2015. Collection method: clinical testing. Allele origin: germline.
Comment: Variant summary: PAN2 c.3354G>A (p.Trp1118X) results in a premature termination codon, predicted to cause a truncation of the encoded protein or absence of the protein due to nonsense mediated decay, which are commonly known mechanisms for disease. The variant was absent in 251486 control chromosomes. To our knowledge, no occurrence of c.3354G>A in individuals affected with PAN2-related conditions and no experimental evidence demonstrating its impact on protein function have been reported. No submitters have cited clinical-significance assessments for this variant to ClinVar. Based on the evidence outlined above, the variant was classified as pathogenic.